The following is an entry in ClinVar:

ClinVar aggregate classification (germline): Uncertain significance (1 of 4 stars; one submission).

Conditions:
Dyskeratosis congenita, autosomal recessive 6 (DKCB6). Identifiers: MedGen C4225356, MONDO:0014600, OMIM 616353.
Pulmonary fibrosis and/or bone marrow failure, Telomere-related, 4. Also called: PULMONARY FIBROSIS AND/OR BONE MARROW FAILURE SYNDROME, TELOMERE-RELATED, 4. Identifiers: Orphanet 2032, MedGen C4225347, MONDO:0014612, OMIM 616371.

gnomAD v4.1: 3 of 1,613,074 alleles (0.00019%); highest among the groups gnomAD compares: South Asian, 0.0033%; no homozygotes.

Submission:

Labcorp Genetics (formerly Invitae), Labcorp
Classification: Uncertain significance for Dyskeratosis congenita, autosomal recessive 6; Pulmonary fibrosis and/or bone marrow failure, Telomere-related, 4. Last evaluated: 2025-02-17. Review status: criteria provided, single submitter. Criteria: Invitae Variant Classification Sherloc (09022015). Collection method: clinical testing. Allele origin: germline.
Comment: This sequence change replaces valine, which is neutral and non-polar, with isoleucine, which is neutral and non-polar, at codon 447 of the PARN protein (p.Val447Ile). The frequency data for this variant in the population databases is considered unreliable, as metrics indicate poor data quality at this position in the gnomAD database. This variant has not been reported in the literature in individuals affected with PARN-related conditions. Invitae Evidence Modeling of protein sequence and biophysical properties (such as structural, functional, and spatial information, amino acid conservation, physicochemical variation, residue mobility, and thermodynamic stability) indicates that this missense variant is not expected to disrupt PARN protein function with a negative predictive value of 80%. In summary, the available evidence is currently insufficient to determine the role of this variant in disease. Therefore, it has been classified as a Variant of Uncertain Significance.

NM_002582.4(PARN):c.1339G>A (p.Val447Ile)

Gene: PARN (poly(A)-specific ribonuclease; minus strand). Cytogenetic location: 16p13.12.
Variant type: single nucleotide variant.
Coding change: c.1339G>A on transcript NM_002582.4 (MANE Select); coding-DNA position 1339, G replaced by A.
Protein change: p.Val447Ile; replaces valine 447 with isoleucine.
Molecular consequence: missense variant.
Genome position (GRCh38, 1-based): chr16:14,554,131, C>T on the plus strand (G>A on the coding strand, the complement: PARN is on the minus strand). VCF-style: chr16-14554131-C-T. GRCh37 (hg19) VCF-style: chr16-14647988-C-T.
Other names: c.1156G>A, p.Val386Ile (NM_001134477.3); c.1201G>A, p.Val401Ile (NM_001242992.2); short protein forms V386I, V401I, V447I.
Identifiers: ClinVar variation 3751085 (VCV003751085.2).